The following is an entry in ClinVar:

NM_021620.4(PRDM13):c.1187dup (p.Glu397fs)

Gene: PRDM13 (PR/SET domain 13; plus strand). Cytogenetic location: 6q16.2.
Variant type: Duplication.
Coding change: c.1187dup on transcript NM_021620.4 (MANE Select); coding-DNA position 1187, one base duplicated (C; older notation c.1187dupC).
Protein change: p.Glu397fs; shifts the reading frame from glutamic acid 397.
Molecular consequence: frameshift variant.
Genome position (GRCh38, 1-based): chr6:99,613,822, C duplicated; the last of 6 consecutive C bases (chr6:99,613,817-99,613,822); duplicating any one gives the same sequence. VCF-style (leftmost placement, unchanged base first): chr6-99613816-T-TC. GRCh37 (hg19) VCF-style: chr6-100061692-T-TC.
Other names: short protein forms E397fs.
Identifiers: ClinVar variation 2758077 (VCV002758077.3), dbSNP rs770867193, ClinGen allele CA3936325.

ClinVar aggregate classification (germline): Uncertain significance (1 of 4 stars; one submission).

Submission:

Labcorp Genetics (formerly Invitae), Labcorp
Classification: Uncertain significance. Last evaluated: 2024-01-04. Review status: criteria provided, single submitter. Criteria: Invitae Variant Classification Sherloc (09022015). Collection method: clinical testing. Allele origin: germline.
Comment: This sequence change creates a premature translational stop signal (p.Glu397Glyfs*55) in the PRDM13 gene. While this is not anticipated to result in nonsense mediated decay, it is expected to disrupt the last 311 amino acid(s) of the PRDM13 protein. The frequency data for this variant in the population databases is considered unreliable, as metrics indicate poor data quality at this position in the gnomAD database. This variant has not been reported in the literature in individuals affected with PRDM13-related conditions. Experimental studies and prediction algorithms are not available or were not evaluated, and the functional significance of this variant is currently unknown. In summary, the available evidence is currently insufficient to determine the role of this variant in disease. Therefore, it has been classified as a Variant of Uncertain Significance.